The following is an entry in ClinVar:

NM_000138.5(FBN1):c.3254A>G (p.Gln1085Arg)

Gene: FBN1 (fibrillin 1; minus strand). Cytogenetic location: 15q21.1.
Variant type: single nucleotide variant.
Coding change: c.3254A>G on transcript NM_000138.5 (MANE Select); coding-DNA position 3254, A replaced by G.
Protein change: p.Gln1085Arg; replaces glutamine 1085 with arginine.
Molecular consequence: missense variant.
Genome position (GRCh38, 1-based): chr15:48,488,196, T>C on the plus strand (A>G on the coding strand, the complement: FBN1 is on the minus strand). VCF-style: chr15-48488196-T-C. GRCh37 (hg19) VCF-style: chr15-48780393-T-C.
Other names: short protein forms Q1085R.
Identifiers: ClinVar variation 1000255 (VCV001000255.14), dbSNP rs1031572615, ClinGen allele CA269532100.

ClinVar aggregate classification (germline): Uncertain significance. Review status: criteria provided, multiple submitters, no conflicts (2 of 4 stars). 6 submissions from 6 submitters: Uncertain significance (6). Last evaluated 2025-06-17.

Conditions:
Stiff skin syndrome (SSKS). Identifiers: Orphanet 2833, MedGen C1861456, MONDO:0008492, OMIM 184900.
Progeroid and marfanoid aspect-lipodystrophy syndrome. Also called: MARFANOID-PROGEROID SYNDROME; MARFAN-PROGEROID-LIPODYSTROPHY SYNDROME; Marfan lipodystrophy syndrome; MARFANOID-PROGEROID-LIPODYSTROPHY SYNDROME. Identifiers: Orphanet 300382, MedGen C4310796, MONDO:0014831, OMIM 616914.
Ectopia lentis 1, isolated, autosomal dominant (ECTOL1). Identifiers: Orphanet 1885, MedGen C3541518, MONDO:0007514, OMIM 129600.
MASS syndrome (OCTD). Also called: MASS PHENOTYPE; OVERLAP CONNECTIVE TISSUE DISEASE. Identifiers: MedGen C1858556, MONDO:0011431, OMIM 604308.
Marfan syndrome (MFS). Also called: FBN1-Related Marfan Syndrome; MARFAN SYNDROME, TYPE I; Marfan syndrome type 1; Marfan's syndrome; Marfan syndrome, classic. Identifiers: Orphanet 284963, Orphanet 558, MedGen C0024796, MONDO:0007947, OMIM 154700.
Weill-Marchesani syndrome 2, dominant. Also called: FBN1-Related Weill-Marchesani Syndrome; Weill-Marchesani Syndrome, Autosomal Dominant. Identifiers: Orphanet 2084, MedGen C1869115, MONDO:0012013, OMIM 608328.
Acromicric dysplasia (ACMICD). Also called: Acromicric skeletal dysplasia. Identifiers: Orphanet 969, MedGen C0265287, MONDO:0007055, OMIM 102370.
Geleophysic dysplasia 2 (GPHYSD2). Identifiers: Orphanet 2623, MedGen C3280054, MONDO:0013612, OMIM 614185.
Familial thoracic aortic aneurysm and aortic dissection (TAAD). Also called: Thoracic aortic aneurysms and dissections. Identifiers: Orphanet 91387, MedGen C4707243, MONDO:0019625.

Allele frequency attached by ClinVar (database versions not stated): gnomAD exomes below 0.00001.
gnomAD v4.1: 2 of 1,614,258 alleles (0.00012%); highest among the groups gnomAD compares: Non-Finnish European, 0.00017%; no homozygotes.

Submissions (6):

Ambry Genetics
Classification: Uncertain significance for Familial thoracic aortic aneurysm and aortic dissection. Last evaluated: 2025-06-17. Review status: criteria provided, single submitter. Criteria: Ambry Variant Classification Scheme 2023. Collection method: clinical testing. Allele origin: germline.
Comment: The p.Q1085R variant (also known as c.3254A>G), located in coding exon 26 of the FBN1 gene, results from an A to G substitution at nucleotide position 3254. The glutamine at codon 1085 is replaced by arginine, an amino acid with highly similar properties. This amino acid position is not well conserved in available vertebrate species. In addition, this alteration is predicted to be tolerated by in silico analysis. Based on the available evidence, the clinical significance of this variant remains unclear.

GeneDx
Classification: Uncertain significance. Last evaluated: 2024-03-20. Review status: criteria provided, single submitter. Criteria: GeneDx Variant Classification Process June 2021. Collection method: clinical testing. Allele origin: germline. Affected: yes.
Comment: Not observed at significant frequency in large population cohorts (gnomAD); In silico analysis supports that this missense variant does not alter protein structure/function; Has not been previously published as pathogenic or benign to our knowledge; Although located in a calcium-binding EGF-like domain of the FBN1 gene, it does not affect a cysteine residue within this domain; cysteine substitutions in the calcium-binding EGF-like domains represent the majority of pathogenic missense changes associated with FBN1-related disorders (PMID: 12938084); This variant is associated with the following publications: (PMID: 12938084)

All of Us Research Program, National Institutes of Health
Classification: Uncertain significance for Marfan syndrome. Last evaluated: 2023-03-09. Review status: criteria provided, single submitter. Criteria: ACMG Guidelines, 2015. Collection method: clinical testing. Allele origin: germline. Inheritance: Autosomal dominant inheritance. Observed: 1 variant allele, 1 heterozygote.
Comment: This missense variant replaces glutamine with arginine at codon 1085 of the FBN1 protein. Computational prediction suggests that this variant may not impact protein structure and function (internally defined REVEL score threshold <= 0.5, PMID: 27666373). To our knowledge, functional studies have not been reported for this variant. This variant has not been reported in individuals affected with FBN1-related disorders in the literature. This variant has been identified in 1/251478 chromosomes in the general population by the Genome Aggregation Database (gnomAD). The available evidence is insufficient to determine the role of this variant in disease conclusively. Therefore, this variant is classified as a Variant of Uncertain Significance.

This study involves interpretation of variants in research participants for the purpose of population health screening. Participant phenotype was not available at the time of variant classification. Additional details can be found in publication PMID: 35346344, PMCID: PMC8962531

Labcorp Genetics (formerly Invitae), Labcorp
Classification: Uncertain significance for Marfan syndrome; Familial thoracic aortic aneurysm and aortic dissection. Last evaluated: 2023-03-04. Review status: criteria provided, single submitter. Criteria: Invitae Variant Classification Sherloc (09022015). Collection method: clinical testing. Allele origin: germline.
Comment: In summary, the available evidence is currently insufficient to determine the role of this variant in disease. Therefore, it has been classified as a Variant of Uncertain Significance. Advanced modeling of protein sequence and biophysical properties (such as structural, functional, and spatial information, amino acid conservation, physicochemical variation, residue mobility, and thermodynamic stability) performed at Invitae indicates that this missense variant is not expected to disrupt FBN1 protein function. ClinVar contains an entry for this variant (Variation ID: 1000255). This missense change has been observed in individuals with clinical features of Marfan syndrome (Invitae). This variant is present in population databases (no rsID available, gnomAD 0.0009%). This sequence change replaces glutamine, which is neutral and polar, with arginine, which is basic and polar, at codon 1085 of the FBN1 protein (p.Gln1085Arg).

Blueprint Genetics
Classification: Uncertain significance. Last evaluated: 2021-11-30. Review status: criteria provided, single submitter. Criteria: ACMG Guidelines, 2015. Collection method: clinical testing. Allele origin: germline.

Fulgent Genetics
Classification: Uncertain significance for Acromicric dysplasia; Ectopia lentis 1, isolated, autosomal dominant; Marfan syndrome; Stiff skin syndrome; MASS syndrome; Weill-Marchesani syndrome 2, dominant; Geleophysic dysplasia 2; Progeroid and marfanoid aspect-lipodystrophy syndrome. Last evaluated: 2021-10-16. Review status: criteria provided, single submitter. Criteria: ACMG Guidelines, 2015. Collection method: clinical testing. Allele origin: unknown.